The following is an entry in ClinVar:

NM_001040108.2(MLH3):c.2957T>C (p.Val986Ala)

Gene: MLH3 (mutL homolog 3; minus strand). Cytogenetic location: 14q24.3.
Variant type: single nucleotide variant.
Coding change: c.2957T>C on transcript NM_001040108.2 (MANE Select); coding-DNA position 2957, T replaced by C.
Protein change: p.Val986Ala; replaces valine 986 with alanine.
Molecular consequence: missense variant.
Genome position (GRCh38, 1-based): chr14:75,046,699, A>G on the plus strand (T>C on the coding strand, the complement: MLH3 is on the minus strand). VCF-style: chr14-75046699-A-G. GRCh37 (hg19) VCF-style: chr14-75513402-A-G.
Other names: c.2957T>C, p.Val986Ala (NM_014381.3); short protein forms V986A.
Identifiers: ClinVar variation 1798118 (VCV001798118.3), dbSNP rs2503257008, ClinGen allele CA390437223.

ClinVar aggregate classification (germline): Uncertain significance (1 of 4 stars; one submission).

Submission:

Ambry Genetics
Classification: Uncertain significance. Last evaluated: 2025-01-20. Review status: criteria provided, single submitter. Criteria: Ambry Variant Classification Scheme 2023. Collection method: clinical testing. Allele origin: germline.
Comment: The p.V986A variant (also known as c.2957T>C), located in coding exon 1 of the MLH3 gene, results from a T to C substitution at nucleotide position 2957. The valine at codon 986 is replaced by alanine, an amino acid with similar properties. This amino acid position is conserved. In addition, this alteration is predicted to be tolerated by in silico analysis. Since supporting evidence is limited at this time, the clinical significance of this alteration remains unclear.